The following is an entry in ClinVar:

NM_024675.4(PALB2):c.1111G>A (p.Glu371Lys)

Gene: PALB2 (partner and localizer of BRCA2; minus strand). Cytogenetic location: 16p12.2.
Variant type: single nucleotide variant.
Coding change: c.1111G>A on transcript NM_024675.4 (MANE Select); coding-DNA position 1111, G replaced by A.
Protein change: p.Glu371Lys; replaces glutamic acid 371 with lysine.
Molecular consequence: missense variant.
Genome position (GRCh38, 1-based): chr16:23,635,435, C>T on the plus strand (G>A on the coding strand, the complement: PALB2 is on the minus strand). VCF-style: chr16-23635435-C-T. GRCh37 (hg19) VCF-style: chr16-23646756-C-T.
Other names: short protein forms E371K.
Identifiers: ClinVar variation 482017 (VCV000482017.21), dbSNP rs1312378621, ClinGen allele CA395133783.

ClinVar aggregate classification (germline): Uncertain significance. Review status: criteria provided, multiple submitters, no conflicts (2 of 4 stars). 5 submissions from 5 submitters: Uncertain significance (5). Last evaluated 2025-07-08.

Conditions:
PALB2-related cancer predisposition. Identifiers: MedGen CN377761, MONDO:0700272.
Hereditary cancer-predisposing syndrome. Also called: Tumor predisposition; Hereditary Cancer Syndrome; Hereditary neoplastic syndrome; Neoplastic Syndromes, Hereditary. Identifiers: Orphanet 140162, MedGen C0027672, MeSH D009386, MONDO:0015356.
Familial cancer of breast. Also called: Hereditary breast cancer; hereditary breast carcinoma; BREAST CANCER, FAMILIAL. Identifiers: Orphanet 227535, MedGen C0346153, MONDO:0016419, OMIM 114480. Disease mechanism: loss of function.

Allele frequency attached by ClinVar (database versions not stated): TOPMed below 0.00001; gnomAD exomes 0.00001.
gnomAD v4.1: 4 of 1,613,990 alleles (0.00025%); highest among the groups gnomAD compares: Non-Finnish European, 0.00025%; no homozygotes.

Submissions (5):

Labcorp Genetics (formerly Invitae), Labcorp
Classification: Uncertain significance for Familial cancer of breast. Last evaluated: 2025-07-08. Review status: criteria provided, single submitter. Criteria: Invitae Variant Classification Sherloc (09022015). Collection method: clinical testing. Allele origin: germline.
Comment: This sequence change replaces glutamic acid, which is acidic and polar, with lysine, which is basic and polar, at codon 371 of the PALB2 protein (p.Glu371Lys). This variant is present in population databases (no rsID available, gnomAD 0.002%). This variant has not been reported in the literature in individuals affected with PALB2-related conditions. ClinVar contains an entry for this variant (Variation ID: 482017). Invitae Evidence Modeling of protein sequence and biophysical properties (such as structural, functional, and spatial information, amino acid conservation, physicochemical variation, residue mobility, and thermodynamic stability) indicates that this missense variant is not expected to disrupt PALB2 protein function with a negative predictive value of 80%. In summary, the available evidence is currently insufficient to determine the role of this variant in disease. Therefore, it has been classified as a Variant of Uncertain Significance.

Ambry Genetics
Classification: Uncertain significance for Hereditary cancer-predisposing syndrome. Last evaluated: 2025-04-28. Review status: criteria provided, single submitter. Criteria: Ambry Variant Classification Scheme 2023. Collection method: clinical testing. Allele origin: germline.
Comment: The p.E371K variant (also known as c.1111G>A), located in coding exon 4 of the PALB2 gene, results from a G to A substitution at nucleotide position 1111. The glutamic acid at codon 371 is replaced by lysine, an amino acid with similar properties. This amino acid position is well conserved in available vertebrate species. In addition, this alteration is predicted to be tolerated by in silico analysis. Since supporting evidence is limited at this time, the clinical significance of this alteration remains unclear.

Hema, HEMA – Genetic and Molecular Diagnostic Laboratory
Classification: Uncertain significance for PALB2-related cancer predisposition. Last evaluated: 2024-03-21. Review status: criteria provided, single submitter. Criteria: HEMA Variant Classification Assertion Criteria. Collection method: clinical testing. Allele origin: germline.
Comment: The c.1111G>A variant is a transition from cytosine to thymine, resulting in the substitution of glutamic acid 371 by lysine in the PALB2 protein. BP1: Missense variant in PALB2, a gene in which pathogenic variants are primarily truncations.

Color Diagnostics, LLC DBA Color Health
Classification: Uncertain significance for Hereditary cancer-predisposing syndrome. Last evaluated: 2024-03-06. Review status: criteria provided, single submitter. Criteria: ACMG Guidelines, 2015. Collection method: clinical testing. Allele origin: germline.
Comment: This missense variant replaces glutamic acid with lysine at codon 371 of the PALB2 protein. Computational prediction suggests that this variant may not impact protein structure and function (internally defined REVEL score threshold <= 0.5, PMID: 27666373). To our knowledge, functional studies have not been reported for this variant. This variant has not been reported in individuals affected with hereditary cancer in the literature. This variant has been identified in 2/251318 chromosomes in the general population by the Genome Aggregation Database (gnomAD). The available evidence is insufficient to determine the role of this variant in disease conclusively. Therefore, this variant is classified as a Variant of Uncertain Significance.

Baylor Genetics
Classification: Uncertain significance for Familial cancer of breast. Last evaluated: 2023-08-02. Review status: criteria provided, single submitter. Criteria: ACMG Guidelines, 2015. Collection method: clinical testing. Allele origin: unknown.